The following is an entry in ClinVar:

ClinVar aggregate classification (germline): Likely benign (1 of 4 stars; one submission).

Submission:

CeGaT Center for Human Genetics Tuebingen
Classification: Likely benign. Last evaluated: 2025-06-01. Review status: criteria provided, single submitter. Criteria: CeGaT Center For Human Genetics Tuebingen Variant Classification Criteria Version 2. Collection method: clinical testing. Allele origin: germline. Affected: yes. Observed: 1 variant allele.
Comment: GIMAP5: BP4, BS2

NM_018384.5(GIMAP5):c.154G>A (p.Val52Met)

Genes: GIMAP5 (GTPase, IMAP family member 5; plus strand), GIMAP1-GIMAP5 (GIMAP1-GIMAP5 readthrough; plus strand). Cytogenetic location: 7q36.1.
Variant type: single nucleotide variant.
Coding change: c.154G>A on transcript NM_018384.5 (MANE Select); coding-DNA position 154, G replaced by A.
Protein change: p.Val52Met; replaces valine 52 with methionine.
Molecular consequence: missense variant.
Genome position (GRCh38, 1-based): chr7:150,742,293, G>A. VCF-style: chr7-150742293-G-A. GRCh37 (hg19) VCF-style: chr7-150439381-G-A.
Other names: c.766G>A, p.Val256Met (NM_001199577.2); c.382G>A, p.Val128Met (NM_001303630.2); short protein forms V128M, V256M, V52M.
Identifiers: ClinVar variation 4084071 (VCV004084071.8).